The following is an entry in ClinVar:

NM_033380.3(COL4A5):c.3905C>T (p.Pro1302Leu)

Gene: COL4A5 (collagen type IV alpha 5 chain; plus strand). Cytogenetic location: Xq22.3.
Variant type: single nucleotide variant.
Coding change: c.3905C>T on transcript NM_033380.3 (MANE Select); coding-DNA position 3905, C replaced by T.
Protein change: p.Pro1302Leu; replaces proline 1302 with leucine.
Molecular consequence: missense variant.
Genome position (GRCh38, 1-based): chrX:108,677,596, C>T. VCF-style: chrX-108677596-C-T. GRCh37 (hg19) VCF-style: chrX-107920826-C-T.
Other names: c.3887C>T, p.Pro1296Leu (NM_000495.5); c.3887C>T (NM_000495.4); short protein forms P1302L, P1296L.
Identifiers: ClinVar variation 1952580 (VCV001952580.3), dbSNP rs1293090569, ClinGen allele CA413850850.

ClinVar aggregate classification (germline): Uncertain significance. Review status: criteria provided, single submitter (1 of 4 stars). 2 submissions from 2 submitters: Uncertain significance (1). 1 of the submissions does not count toward it. Last evaluated 2021-05-31.

Conditions:
X-linked Alport syndrome (ATS1). Also called: COL4A5-Related Nephropathy; NEPHROPATHY AND DEAFNESS, X-LINKED. Identifiers: Orphanet 63, Orphanet 88917, MedGen C4746986, MONDO:0010520, OMIM 301050.

Submissions (2):

Labcorp Genetics (formerly Invitae), Labcorp
Classification: Uncertain significance. Last evaluated: 2021-05-31. Review status: criteria provided, single submitter. Criteria: Invitae Variant Classification Sherloc (09022015). Collection method: clinical testing. Allele origin: germline.
Comment: This sequence change replaces proline with leucine at codon 1296 of the COL4A5 protein (p.Pro1296Leu). The proline residue is highly conserved and there is a moderate physicochemical difference between proline and leucine. This variant is not present in population databases (ExAC no frequency). This variant has not been reported in the literature in individuals with COL4A5-related conditions. Algorithms developed to predict the effect of missense changes on protein structure and function are either unavailable or do not agree on the potential impact of this missense change (SIFT: "Deleterious"; PolyPhen-2: "Possibly Damaging"; Align-GVGD: "Class C0"). In summary, the available evidence is currently insufficient to determine the role of this variant in disease. Therefore, it has been classified as a Variant of Uncertain Significance.

Natera, Inc.
Classification: Uncertain significance for X-linked Alport syndrome. Last evaluated: 2025-02-03. Review status: no assertion criteria provided. Collection method: clinical testing. Allele origin: germline. Not counted in ClinVar's aggregate classification.